The following is an entry in ClinVar:

ClinVar aggregate classification (germline): Likely benign (1 of 4 stars; one submission).

gnomAD v4.1: 2 of 1,614,132 alleles (0.00012%); highest among the groups gnomAD compares: South Asian, 0.0022%; no homozygotes.

Submission:

CeGaT Center for Human Genetics Tuebingen
Classification: Likely benign. Last evaluated: 2024-06-01. Review status: criteria provided, single submitter. Criteria: CeGaT Center For Human Genetics Tuebingen Variant Classification Criteria Version 2. Collection method: clinical testing. Allele origin: germline. Affected: yes. Observed: 1 variant allele.
Comment: WDR62: BP4, BP7

NM_001083961.2(WDR62):c.663G>A (p.Val221=)

Gene: WDR62 (WD repeat domain 62; plus strand). Cytogenetic location: 19q13.12.
Variant type: single nucleotide variant.
Coding change: c.663G>A on transcript NM_001083961.2 (MANE Select); coding-DNA position 663, G replaced by A.
Protein change: p.Val221=; no amino-acid change (valine 221 retained).
Molecular consequence: synonymous variant.
Genome position (GRCh38, 1-based): chr19:36,067,407, G>A. VCF-style: chr19-36067407-G-A. GRCh37 (hg19) VCF-style: chr19-36558309-G-A.
Other names: c.663G>A, p.Val221= (NM_001411145.1, NM_001411146.1, NM_001411147.1 and 1 more transcripts).
Identifiers: ClinVar variation 3250885 (VCV003250885.18), dbSNP rs1250064295.